The following is an entry in ClinVar:

ClinVar aggregate classification (germline): Benign/Likely benign. Review status: criteria provided, multiple submitters, no conflicts (2 of 4 stars). 7 submissions from 7 submitters: Benign (4); Likely benign (3). Last evaluated 2026-06-30.

Conditions:
Hyperplastic polyposis syndrome. Identifiers: Orphanet 157798, MedGen C4296896, MONDO:0015524.
Sessile serrated polyposis cancer syndrome (SSPCS). Identifiers: Orphanet 157798, MedGen C4310714, MONDO:0014919, OMIM 617108.

Allele frequency attached by ClinVar (database versions not stated): ESP Exome Variant Server 0.00023; gnomAD 0.00058 and 0.00082; TOPMed 0.00063; gnomAD exomes 0.00192; ExAC 0.00234; 1000 Genomes Project 30x 0.00297; 1000 Genomes Project 0.00359.
gnomAD v4.1: 1,873 of 1,611,014 alleles (0.12%); highest among the groups gnomAD compares: East Asian, 2.5%; 26 homozygotes.

Submissions (7):

Myriad Genetics, Inc.
Classification: Benign for Sessile serrated polyposis cancer syndrome. Last evaluated: 2026-06-30. Review status: criteria provided, single submitter. Criteria: Myriad Autosomal Dominant, Autosomal Recessive and X-Linked Classification Criteria (2023). Collection method: clinical testing. Allele origin: unknown.
Comment: This variant is considered benign. This variant is a silent/synonymous amino acid change and it is not expected to impact splicing.

Labcorp Genetics (formerly Invitae), Labcorp
Classification: Benign. Last evaluated: 2026-01-29. Review status: criteria provided, single submitter. Criteria: Invitae Variant Classification Sherloc (09022015). Collection method: clinical testing. Allele origin: germline.

Mayo Clinic Laboratories, Mayo Clinic
Classification: Likely benign. Last evaluated: 2025-06-09. Review status: criteria provided, single submitter. Criteria: ACMG Guidelines, 2015. Collection method: clinical testing. Allele origin: germline. Observed: 1 variant allele.
Comment: BS1, BP4, BP7

Center for Genomic Medicine, Rigshospitalet, Copenhagen University Hospital
Classification: Likely benign. Last evaluated: 2025-03-04. Review status: criteria provided, single submitter. Criteria: ACMG Guidelines, 2015. Collection method: clinical testing. Allele origin: germline.

Ambry Genetics
Classification: Likely benign. Last evaluated: 2024-08-21. Review status: criteria provided, single submitter. Criteria: Ambry Variant Classification Scheme 2023. Collection method: clinical testing. Allele origin: germline.

CeGaT Center for Human Genetics Tuebingen
Classification: Benign. Last evaluated: 2024-06-01. Review status: criteria provided, single submitter. Criteria: CeGaT Center For Human Genetics Tuebingen Variant Classification Criteria Version 2. Collection method: clinical testing. Allele origin: germline. Affected: yes. Observed: 6 variant alleles.
Comment: RNF43: BP4, BP7, BS1, BS2

Department of Pathology and Laboratory Medicine, Sinai Health System
Classification: Benign for Hyperplastic polyposis syndrome. Last evaluated: 2021-09-15. Review status: criteria provided, single submitter. Criteria: ACMG Guidelines, 2015. Collection method: clinical testing. Allele origin: germline. Affected: yes.

NM_017763.6(RNF43):c.597G>A (p.Val199=)

Gene: RNF43 (ring finger protein 43; minus strand). Cytogenetic location: 17q22.
Variant type: single nucleotide variant.
Coding change: c.597G>A on transcript NM_017763.6 (MANE Select); coding-DNA position 597, G replaced by A.
Protein change: p.Val199=; no amino-acid change (valine 199 retained).
Molecular consequence: synonymous variant.
Genome position (GRCh38, 1-based): chr17:58,362,634, C>T on the plus strand (G>A on the coding strand, the complement: RNF43 is on the minus strand). VCF-style: chr17-58362634-C-T. GRCh37 (hg19) VCF-style: chr17-56439995-C-T.
Other names: p.Val199=; c.597G>A (NM_017763.4); c.597G>A, p.Val199= (NM_001305544.3); c.216G>A, p.Val72= (NM_001305545.2).
Identifiers: ClinVar variation 1166912 (VCV001166912.43), dbSNP rs77499318, ClinGen allele CA8673366.